The following is an entry in ClinVar:

ClinVar aggregate classification (germline): Uncertain significance. Review status: criteria provided, multiple submitters, no conflicts (2 of 4 stars). 2 submissions from 2 submitters: Uncertain significance (2). Last evaluated 2022-09-13.

Allele frequency attached by ClinVar (database versions not stated): ESP Exome Variant Server 0.00008; TOPMed 0.00002.

Submissions (2):

Labcorp Genetics (formerly Invitae), Labcorp
Classification: Uncertain significance. Last evaluated: 2022-09-13. Review status: criteria provided, single submitter. Criteria: Invitae Variant Classification Sherloc (09022015). Collection method: clinical testing. Allele origin: germline.
Comment: This sequence change replaces proline, which is neutral and non-polar, with leucine, which is neutral and non-polar, at codon 179 of the TSEN54 protein (p.Pro179Leu). This variant is present in population databases (rs376310114, gnomAD 0.01%). This variant has not been reported in the literature in individuals affected with TSEN54-related conditions. ClinVar contains an entry for this variant (Variation ID: 437068). Advanced modeling of protein sequence and biophysical properties (such as structural, functional, and spatial information, amino acid conservation, physicochemical variation, residue mobility, and thermodynamic stability) performed at Invitae indicates that this missense variant is not expected to disrupt TSEN54 protein function. In summary, the available evidence is currently insufficient to determine the role of this variant in disease. Therefore, it has been classified as a Variant of Uncertain Significance.

Genetic Services Laboratory, University of Chicago
Classification: Uncertain significance. Last evaluated: 2016-01-12. Review status: criteria provided, single submitter. Criteria: ACMG Guidelines, 2015. Collection method: clinical testing. Allele origin: germline. Affected: no.

NM_207346.3(TSEN54):c.536C>T (p.Pro179Leu)

Gene: TSEN54 (tRNA splicing endonuclease subunit 54; plus strand). Cytogenetic location: 17q25.1.
Variant type: single nucleotide variant.
Coding change: c.536C>T on transcript NM_207346.3 (MANE Select); coding-DNA position 536, C replaced by T.
Protein change: p.Pro179Leu; replaces proline 179 with leucine.
Molecular consequence: missense variant.
Genome position (GRCh38, 1-based): chr17:75,521,423, C>T. VCF-style: chr17-75521423-C-T. GRCh37 (hg19) VCF-style: chr17-73517504-C-T.
Other names: short protein forms P179L.
Identifiers: ClinVar variation 437068 (VCV000437068.7), dbSNP rs376310114, ClinGen allele CA8764200.